The following is an entry in ClinVar:

ClinVar aggregate classification (germline): Benign. Review status: criteria provided, multiple submitters, no conflicts (2 of 4 stars). 10 submissions from 10 submitters: Benign (8). 2 of the submissions do not count toward it. Last evaluated 2026-05-08.

Conditions:
3M syndrome 2. Also called: 3-M Syndrome, OBSL1-Related; THREE M SYNDROME 2. Identifiers: Orphanet 2616, MedGen C2752041, MONDO:0013039, OMIM 612921.

Allele frequency attached by ClinVar (database versions not stated): 1000 Genomes Project 0.38758; 1000 Genomes Project 30x 0.39491; ESP Exome Variant Server 0.43533; TOPMed 0.44154; gnomAD exomes 0.44544; gnomAD 0.44549 and 0.45189; ExAC 0.46681.
gnomAD v4.1: 723,023 of 1,591,508 alleles (45%); highest among the groups gnomAD compares: Admixed American, 52%; 167,572 homozygotes.

Submissions (10):

Women's Health and Genetics/Laboratory Corporation of America, LabCorp
Classification: Benign. Last evaluated: 2026-05-08. Review status: criteria provided, single submitter. Criteria: LabCorp Variant Classification Summary - May 2015. Collection method: clinical testing. Allele origin: germline.

Labcorp Genetics (formerly Invitae), Labcorp
Classification: Benign. Last evaluated: 2026-02-04. Review status: criteria provided, single submitter. Criteria: Invitae Variant Classification Sherloc (09022015). Collection method: clinical testing. Allele origin: germline.

Blueprint Genetics
Classification: Benign. Last evaluated: 2024-11-26. Review status: criteria provided, single submitter. Criteria: ACMG Guidelines, 2015. Collection method: clinical testing. Allele origin: germline.

Genome-Nilou Lab
Classification: Benign for 3M syndrome 2. Last evaluated: 2021-09-05. Review status: criteria provided, single submitter. Criteria: ACMG Guidelines, 2015. Collection method: clinical testing. Allele origin: germline. Affected: no.

GeneDx
Classification: Benign. Last evaluated: 2018-11-12. Review status: criteria provided, single submitter. Criteria: GeneDx Variant Classification Process June 2021. Collection method: clinical testing. Allele origin: germline. Affected: yes.

Illumina Laboratory Services, Illumina
Classification: Benign for 3M syndrome 2. Last evaluated: 2018-01-12. Review status: criteria provided, single submitter. Criteria: ICSL Variant Classification Criteria 13 December 2019. Collection method: clinical testing. Allele origin: germline.
Comment: This variant was observed in the ICSL laboratory as part of a predisposition screen in an ostensibly healthy population. It had not been previously curated by ICSL or reported in the Human Gene Mutation Database (HGMD: prior to June 1st, 2018), and was therefore a candidate for classification through an automated scoring system. Utilizing variant allele frequency, disease prevalence and penetrance estimates, and inheritance mode, an automated score was calculated to assess if this variant is too frequent to cause the disease. Based on the score and internal cut-off values, a variant classified as benign is not then subjected to further curation. The score for this variant resulted in a classification of benign for this disease.

Eurofins Ntd Llc (ga)
Classification: Benign. Last evaluated: 2015-05-14. Review status: criteria provided, single submitter. Criteria: EGL Classification Definitions 2015. Collection method: clinical testing. Allele origin: germline. Observed: 1 variant allele, 1 heterozygote.

Breakthrough Genomics
Classification: Benign. Review status: criteria provided, single submitter. Criteria: ACMG Guidelines, 2015. Collection method: not provided. Allele origin: germline. Inheritance: Autosomal recessive inheritance. Affected: yes.

Diagnostic Laboratory, Department of Genetics, University Medical Center Groningen
Classification: Benign. Review status: no assertion criteria provided. Collection method: clinical testing. Allele origin: germline. Affected: yes. Study: VKGL Data-share Consensus. Not counted in ClinVar's aggregate classification.

Joint Genome Diagnostic Labs from Nijmegen and Maastricht, Radboudumc and MUMC+
Classification: Benign. Review status: no assertion criteria provided. Collection method: clinical testing. Allele origin: germline. Affected: yes. Study: VKGL Data-share Consensus. Not counted in ClinVar's aggregate classification.

NM_015311.3(OBSL1):c.5309-4C>G

Gene: OBSL1 (obscurin like cytoskeletal adaptor 1; minus strand). Cytogenetic location: 2q35.
Variant type: single nucleotide variant.
Coding change: c.5309-4C>G on transcript NM_015311.3 (MANE Select); 4 bases into the intron before coding-DNA position 5309, C replaced by G.
Molecular consequence: intron variant.
Genome position (GRCh38, 1-based): chr2:219,552,220, G>C on the plus strand (C>G on the coding strand, the complement: OBSL1 is on the minus strand). VCF-style: chr2-219552220-G-C. GRCh37 (hg19) VCF-style: chr2-220416942-G-C.
Identifiers: ClinVar variation 194972 (VCV000194972.28), dbSNP rs34490902, ClinGen allele CA201464.
Genomic context (GRCh38, chr2:219,552,220, plus strand): 5'-GGACTTCACCGGCGTCCTCGGCGCGCAGCTCGCTAAGCACCAGAATGTGTTTCTTCCCTG[G>C]GGGTGAGGGGGTCGCTAGCGAGGCCGGAGCCACCTCTGAGGAGCGTTGGGGACGAAGGTG-3'